The following is an entry in ClinVar:

NM_003458.4(BSN):c.1128G>C (p.Gln376His)

Gene: BSN (bassoon presynaptic cytomatrix protein; plus strand). Cytogenetic location: 3p21.31.
Variant type: single nucleotide variant.
Coding change: c.1128G>C on transcript NM_003458.4 (MANE Select); coding-DNA position 1128, G replaced by C.
Protein change: p.Gln376His; replaces glutamine 376 with histidine.
Molecular consequence: missense variant.
Genome position (GRCh38, 1-based): chr3:49,642,762, G>C. VCF-style: chr3-49642762-G-C. GRCh37 (hg19) VCF-style: chr3-49680195-G-C.
Other names: short protein forms Q376H.
Identifiers: ClinVar variation 4537674 (VCV004537674.1).

ClinVar aggregate classification (germline): Uncertain significance (1 of 4 stars; one submission).

Submission:

GeneDx
Classification: Uncertain significance. Last evaluated: 2025-06-13. Review status: criteria provided, single submitter. Criteria: GeneDx Variant Classification Process June 2021. Collection method: clinical testing. Allele origin: germline. Affected: yes.
Comment: Not observed at significant frequency in large population cohorts (gnomAD); In silico analysis suggests that this missense variant does not alter protein structure/function; Has not been previously published as pathogenic or benign to our knowledge